The following is an entry in ClinVar:

ClinVar aggregate classification (germline): Likely pathogenic (1 of 4 stars; one submission).

Conditions:
CHARGE syndrome (CHARGE). Also called: Hittner Hirsch Kreh syndrome; CHARGE ASSOCIATION--COLOBOMA, HEART ANOMALY, CHOANAL ATRESIA, RETARDATION, GENITAL AND EAR ANOMALIES; Coloboma, heart anomaly, choanal atresia, retardation, genital and ear anomalies; CHARGE association; Hall-Hittner syndrome. Identifiers: Orphanet 138, MedGen C0265354, MONDO:0008965.

Submission:

Juno Genomics, Hangzhou Juno Genomics, Inc
Classification: Likely pathogenic for CHD7-related CHARGE syndrome. Review status: criteria provided, single submitter. Criteria: ACMG Guidelines, 2015. Collection method: clinical testing. Allele origin: germline. Affected: yes.
Comment: Absent from controls (or at extremely low frequency if recessive) in Genome Aggregation Database, Exome Sequencing Project, 1000 Genomes Project, or Exome Aggregation Consortium.;Null variant in a gene where loss of function (LOF) is a known mechanism of disease.

NM_017780.4(CHD7):c.2061_2065dup (p.Thr689fs)

Genes: CHD7 (chromodomain helicase DNA binding protein 7; plus strand), LOC126860403 (CDK7 strongly-dependent group 2 enhancer GRCh37_chr8:61693034-61694233; plus strand). Cytogenetic location: 8q12.2.
Variant type: Duplication.
Coding change: c.2061_2065dup on transcript NM_017780.4 (MANE Select); coding-DNA positions 2061 to 2065, 5 bases duplicated (TGCCA; older notation c.2061_2065dupTGCCA).
Protein change: p.Thr689fs; shifts the reading frame from threonine 689.
Molecular consequence: frameshift variant. On other transcripts: intron variant (1).
Genome position (GRCh38, 1-based): chr8:60,781,395-60,781,399, TGCCA duplicated. VCF-style (leftmost placement, unchanged base first): chr8-60781394-C-CTGCCA. GRCh37 (hg19) VCF-style: chr8-61693953-C-CTGCCA.
Other names: c.1716+345_1716+349dup (NM_001316690.1); short protein forms T689fs.
Identifiers: ClinVar variation 3382316 (VCV003382316.2).